The following is an entry in ClinVar:

NM_016628.5(WAC):c.451C>G (p.Arg151Gly)

Gene: WAC (WW domain containing adaptor with coiled-coil; plus strand). Cytogenetic location: 10p12.1.
Variant type: single nucleotide variant.
Coding change: c.451C>G on transcript NM_016628.5 (MANE Select); coding-DNA position 451, C replaced by G.
Protein change: p.Arg151Gly; replaces arginine 151 with glycine.
Molecular consequence: missense variant.
Genome position (GRCh38, 1-based): chr10:28,589,805, C>G. VCF-style: chr10-28589805-C-G. GRCh37 (hg19) VCF-style: chr10-28878734-C-G.
Other names: c.316C>G, p.Arg106Gly (NM_100264.3); c.451C>G, p.Arg151Gly (NM_100486.4); short protein forms R106G, R151G.
Identifiers: ClinVar variation 1698474 (VCV001698474.1), dbSNP rs886041614, ClinGen allele CA376401414.

ClinVar aggregate classification (germline): Uncertain significance (1 of 4 stars; one submission).

Allele frequency attached by ClinVar (database versions not stated): gnomAD exomes below 0.00001; TOPMed below 0.00001.
gnomAD v4.1: 1 of 1,613,726 alleles (0.000062%); highest among the groups gnomAD compares: Non-Finnish European, 0.000085%; no homozygotes.

Submission:

Women's Health and Genetics/Laboratory Corporation of America, LabCorp
Classification: Uncertain significance. Last evaluated: 2022-06-03. Review status: criteria provided, single submitter. Criteria: LabCorp Variant Classification Summary - May 2015. Collection method: clinical testing. Allele origin: germline.
Comment: Variant summary: WAC c.451C>G (p.Arg151Gly) results in a non-conservative amino acid change located in the WW domain of the encoded protein sequence. Three of five in-silico tools predict a damaging effect of the variant on protein function. The variant was absent in 251180 control chromosomes. The available data on variant occurrences in the general population are insufficient to allow any conclusion about variant significance. To our knowledge, no occurrence of c.451C>G in individuals affected with Desanto-Shinawi Syndrome and no experimental evidence demonstrating its impact on protein function have been reported. No clinical diagnostic laboratories have submitted clinical-significance assessments for this variant to ClinVar after 2014. Based on the evidence outlined above, the variant was classified as uncertain significance.